The following is an entry in ClinVar:

NM_003413.4(ZIC3):c.1060+1G>A

Gene: ZIC3 (Zic family zinc finger 3; plus strand). Cytogenetic location: Xq26.3.
Variant type: single nucleotide variant.
Coding change: c.1060+1G>A on transcript NM_003413.4 (MANE Select); the canonical splice donor site of the intron after coding-DNA position 1060, G replaced by A.
Molecular consequence: splice donor variant.
Genome position (GRCh38, 1-based): chrX:137,567,752, G>A. VCF-style: chrX-137567752-G-A. GRCh37 (hg19) VCF-style: chrX-136649911-G-A.
Other names: c.1060+1G>A (NM_001330661.1).
Identifiers: ClinVar variation 4995614 (VCV004995614.1).

ClinVar aggregate classification (germline): Likely pathogenic (1 of 4 stars; one submission).

Conditions:
ZIC3-related disorder. Also called: ZIC3-Related Disorders; ZIC3-related condition.

gnomAD v4.1: 1 of 1,211,975 alleles (0.000083%); highest among the groups gnomAD compares: Non-Finnish European, 0.00011%; no homozygotes.

Submission:

PreventionGenetics, part of Exact Sciences
Classification: Likely pathogenic for ZIC3-related condition. Last evaluated: 2025-08-22. Review status: criteria provided, single submitter. Criteria: ACMG Guidelines, 2015. Collection method: clinical testing. Allele origin: germline.
Comment: The ZIC3 c.1060+1G>A variant is predicted to disrupt the GT donor site and interfere with normal splicing. This variant has not been reported in a large population database (gnomAD), indicating this variant is rare. Loss of function variants in ZIC3 are expected to be pathogenic. This variant is interpreted as likely pathogenic.